The following is an entry in ClinVar:

NM_014208.3(DSPP):c.3364_3399del (p.Asn1122_Ser1133del)

Genes: DMP1-AS1 (DMP1 and DSPP antisense RNA 1; minus strand), DSPP (dentin sialophosphoprotein; plus strand). Cytogenetic location: 4q22.1.
Variant type: Deletion.
Coding change: c.3364_3399del on transcript NM_014208.3 (MANE Select); coding-DNA positions 3364 to 3399, 36 bases deleted.
Protein change: p.Asn1122_Ser1133del.
Molecular consequence: inframe deletion.
Genome position (GRCh38, 1-based): chr4:87,616,026-87,616,061, 36 bases deleted. GRCh37 (hg19): chr4:88,537,178-88,537,213.
Identifiers: ClinVar variation 2654913 (VCV002654913.24), dbSNP rs1560480467, ClinGen allele CA3001629.

ClinVar aggregate classification (germline): Benign (1 of 4 stars; one submission).

Allele frequency attached by ClinVar (database versions not stated): gnomAD 0.00089.

Submission:

CeGaT Center for Human Genetics Tuebingen
Classification: Benign. Last evaluated: 2025-03-01. Review status: criteria provided, single submitter. Criteria: CeGaT Center For Human Genetics Tuebingen Variant Classification Criteria Version 2. Collection method: clinical testing. Allele origin: germline. Affected: yes. Observed: 6 variant alleles.
Comment: DSPP: BS1, BS2